The following is an entry in ClinVar:

NM_021999.5(ITM2B):c.727C>T (p.Arg243Cys)

Gene: ITM2B (integral membrane protein 2B; plus strand). Cytogenetic location: 13q14.2.
Variant type: single nucleotide variant.
Coding change: c.727C>T on transcript NM_021999.5 (MANE Select); coding-DNA position 727, C replaced by T.
Protein change: p.Arg243Cys; replaces arginine 243 with cysteine.
Molecular consequence: missense variant.
Genome position (GRCh38, 1-based): chr13:48,261,150, C>T. VCF-style: chr13-48261150-C-T. GRCh37 (hg19) VCF-style: chr13-48835286-C-T.
Other names: short protein forms R243C.
Identifiers: ClinVar variation 1936046 (VCV001936046.5), dbSNP rs1593397686, ClinGen allele CA388252134.

ClinVar aggregate classification (germline): Uncertain significance (1 of 4 stars; one submission).

Allele frequency attached by ClinVar (database versions not stated): TOPMed below 0.00001.

Submission:

Labcorp Genetics (formerly Invitae), Labcorp
Classification: Uncertain significance. Last evaluated: 2022-07-23. Review status: criteria provided, single submitter. Criteria: Invitae Variant Classification Sherloc (09022015). Collection method: clinical testing. Allele origin: germline.
Comment: This variant is not present in population databases (gnomAD no frequency). This sequence change replaces arginine, which is basic and polar, with cysteine, which is neutral and slightly polar, at codon 243 of the ITM2B protein (p.Arg243Cys). In summary, the available evidence is currently insufficient to determine the role of this variant in disease. Therefore, it has been classified as a Variant of Uncertain Significance. Algorithms developed to predict the effect of missense changes on protein structure and function (SIFT, PolyPhen-2, Align-GVGD) all suggest that this variant is likely to be disruptive. This variant has not been reported in the literature in individuals affected with ITM2B-related conditions.